The following is an entry in ClinVar:

NM_000038.6(APC):c.1549-13A>G

Gene: APC (APC regulator of Wnt signaling pathway; plus strand). Cytogenetic location: 5q22.2.
Variant type: single nucleotide variant.
Coding change: c.1549-13A>G on transcript NM_000038.6 (MANE Select); 13 bases into the intron before coding-DNA position 1549, A replaced by G.
Molecular consequence: intron variant.
Genome position (GRCh38, 1-based): chr5:112,827,916, A>G. VCF-style: chr5-112827916-A-G. GRCh37 (hg19) VCF-style: chr5-112163613-A-G.
Other names: c.700-13A>G (NM_001407470.1, NM_001354906.2); c.397-13A>G (NM_001407472.1, NM_001407471.1); c.1603-13A>G (NM_001407447.1, NM_001407448.1, NM_001407449.1 and 1 more transcripts); c.1549-13A>G (NM_001354895.2, NM_001407450.1, NM_001127510.3); c.1300-13A>G (NM_001407456.1, NM_001407457.1, NM_001407455.1 and 1 more transcripts); c.1246-13A>G (NM_001407460.1, NM_001407458.1, NM_001407459.1 and 1 more transcripts); c.1519-13A>G (NM_001407452.1); c.1162-13A>G (NM_001407469.1, NM_001407467.1); and 11 more.
Identifiers: ClinVar variation 3148222 (VCV003148222.1), dbSNP rs587781267, ClinGen allele CA2825001350.

ClinVar aggregate classification (germline): Likely benign (1 of 4 stars; one submission).

Conditions:
Familial adenomatous polyposis 1 (FAP1). Also called: POLYPOSIS, ADENOMATOUS INTESTINAL; FAMILIAL ADENOMATOUS POLYPOSIS 1, ATTENUATED. Identifiers: MedGen C2713442, MONDO:0021056, OMIM 175100. Disease mechanism: loss of function.

Submission:

Myriad Genetics, Inc.
Classification: Likely benign for Familial adenomatous polyposis 1. Last evaluated: 2024-03-07. Review status: criteria provided, single submitter. Criteria: Myriad Autosomal Dominant, Autosomal Recessive and X-Linked Classification Criteria (2023). Collection method: clinical testing. Allele origin: unknown.
Comment: This variant is considered likely benign. This variant is intronic and is not expected to impact mRNA splicing.